The following is an entry in ClinVar:

ClinVar aggregate classification (germline): Uncertain significance (1 of 4 stars; one submission).

Submission:

Labcorp Genetics (formerly Invitae), Labcorp
Classification: Uncertain significance. Last evaluated: 2025-12-01. Review status: criteria provided, single submitter. Criteria: Invitae Variant Classification Sherloc (09022015). Collection method: clinical testing. Allele origin: germline.
Comment: This sequence change replaces methionine, which is neutral and non-polar, with threonine, which is neutral and polar, at codon 189 of the RAB11A protein (p.Met189Thr). This variant is not present in population databases (gnomAD no frequency). This variant has not been reported in the literature in individuals affected with RAB11A-related conditions. An algorithm developed to predict the effect of missense changes on protein structure and function (PolyPhen-2) suggests that this variant is likely to be tolerated. In summary, the available evidence is currently insufficient to determine the role of this variant in disease. Therefore, it has been classified as a Variant of Uncertain Significance.

NM_004663.5(RAB11A):c.566T>C (p.Met189Thr)

Gene: RAB11A (RAB11A, member RAS oncogene family; plus strand). Cytogenetic location: 15q22.31.
Variant type: single nucleotide variant.
Coding change: c.566T>C on transcript NM_004663.5 (MANE Select); coding-DNA position 566, T replaced by C.
Protein change: p.Met189Thr; replaces methionine 189 with threonine.
Molecular consequence: missense variant. On other transcripts: 3 prime UTR variant (1).
Genome position (GRCh38, 1-based): chr15:65,887,755, T>C. VCF-style: chr15-65887755-T-C. GRCh37 (hg19) VCF-style: chr15-66180093-T-C.
Other names: c.*3T>C (NM_001206836.2); short protein forms M189T.
Identifiers: ClinVar variation 4768677 (VCV004768677.1).
Genomic context (GRCh38, chr15:65,887,755, plus strand): 5'-CTTCAGAGATTTACCGCATTGTTTCTCAGAAGCAAATGTCAGACAGACGCGAAAATGACA[T>C]GTCTCCAAGCAACAATGTGGTTCCTATTCATGTTCCACCAACCACTGAAAACAAGCCAAA-3'
Protein context (NP_004654.1, residues 179-199): KQMSDRREND[Met189Thr]SPSNNVVPIH